The following is an entry in ClinVar:

ClinVar aggregate classification (germline): Likely benign (1 of 4 stars; one submission).

gnomAD v4.1: 1 of 1,614,042 alleles (0.000062%); highest among the groups gnomAD compares: Admixed American, 0.0017%; no homozygotes.

Submission:

CeGaT Center for Human Genetics Tuebingen
Classification: Likely benign. Last evaluated: 2026-07-01. Review status: criteria provided, single submitter. Criteria: CeGaT Center For Human Genetics Tuebingen Variant Classification Criteria Version 2. Collection method: clinical testing. Allele origin: germline. Affected: yes. Observed: 1 variant allele.
Comment: UBE3B: BP4, BP7

NM_130466.4(UBE3B):c.1257C>T (p.Ser419=)

Gene: UBE3B (ubiquitin protein ligase E3B; plus strand). Cytogenetic location: 12q24.11.
Variant type: single nucleotide variant.
Coding change: c.1257C>T on transcript NM_130466.4 (MANE Select); coding-DNA position 1257, C replaced by T.
Protein change: p.Ser419=; no amino-acid change (serine 419 retained).
Molecular consequence: synonymous variant.
Genome position (GRCh38, 1-based): chr12:109,501,509, C>T. VCF-style: chr12-109501509-C-T. GRCh37 (hg19) VCF-style: chr12-109939314-C-T.
Other names: c.1257C>T, p.Ser419= (NM_183415.3).
Identifiers: ClinVar variation 5040009 (VCV005040009.1).
Genomic context (GRCh38, chr12:109,501,509, plus strand): 5'-TGACATCCTGAGCAAGAAGCTACTGGAGAGCCAGGAGCCAGCCCACGCACAGCCAGCATC[C>T]CCTCAGAATGTGCTCCCAGTGAAGAGTGAGTGACGGGAGCAGGCCCAACCCTGTAGCTCC-3'
Protein context (NP_569733.2, residues 409-429): SQEPAHAQPA[Ser419=]PQNVLPVKSL